The following is an entry in ClinVar:

NM_001365951.3(KIF1B):c.5014G>C (p.Ala1672Pro)

Gene: KIF1B (kinesin family member 1B; plus strand). Cytogenetic location: 1p36.22.
Variant type: single nucleotide variant.
Coding change: c.5014G>C on transcript NM_001365951.3 (MANE Select); coding-DNA position 5014, G replaced by C.
Protein change: p.Ala1672Pro; replaces alanine 1672 with proline.
Molecular consequence: missense variant.
Genome position (GRCh38, 1-based): chr1:10,374,383, G>C. VCF-style: chr1-10374383-G-C. GRCh37 (hg19) VCF-style: chr1-10434441-G-C.
Other names: c.5014G>C, p.Ala1672Pro (NM_001365952.1); c.4876G>C, p.Ala1626Pro (NM_015074.3); short protein forms A1672P, A1626P.
Identifiers: ClinVar variation 843403 (VCV000843403.37), dbSNP rs909290817, ClinGen allele CA17855891.
Genomic context (GRCh38, chr1:10,374,383, plus strand): 5'-GAAGCCAATTCCCGGGCCTCTAGTCCCTGCCCAGAATTTGAACAGTTTCAGATTGTCCCA[G>C]CTGTGGAAACACCATATTTGGCCCGAGCAGGAAAAAACGAATTTCTCAATCTTGTTCCAG-3'
Protein context (NP_001352880.1, residues 1662-1682): PEFEQFQIVP[Ala1672Pro]VETPYLARAG

ClinVar aggregate classification (germline): Uncertain significance. Review status: criteria provided, multiple submitters, no conflicts (2 of 4 stars). 3 submissions from 3 submitters: Uncertain significance (3). Last evaluated 2025-09-07.

Conditions:
Charcot-Marie-Tooth disease type 2. Also called: Charcot-Marie-Tooth type 2. Identifiers: Orphanet 64746, MedGen C0270914, MONDO:0018993.

Allele frequency attached by ClinVar (database versions not stated): gnomAD exomes below 0.00001; gnomAD 0.00001 and 0.00002; TOPMed 0.00002.
gnomAD v4.1: 7 of 1,614,010 alleles (0.00043%); highest among the groups gnomAD compares: Non-Finnish European, 0.00017%; no homozygotes.

Submissions (3):

Ambry Genetics
Classification: Uncertain significance. Last evaluated: 2025-09-07. Review status: criteria provided, single submitter. Criteria: Ambry Variant Classification Scheme 2023. Collection method: clinical testing. Allele origin: germline.
Comment: The p.A1626P variant (also known as c.4876G>C), located in coding exon 43 of the KIF1B gene, results from a G to C substitution at nucleotide position 4876. The alanine at codon 1626 is replaced by proline, an amino acid with highly similar properties. This amino acid position is poorly conserved in available vertebrate species. In addition, this alteration is predicted to be tolerated by in silico analysis. Since supporting evidence is limited at this time, the clinical significance of this alteration remains unclear.

CeGaT Center for Human Genetics Tuebingen
Classification: Uncertain significance. Last evaluated: 2023-06-01. Review status: criteria provided, single submitter. Criteria: CeGaT Center For Human Genetics Tuebingen Variant Classification Criteria Version 2. Collection method: clinical testing. Allele origin: germline. Affected: yes. Observed: 1 variant allele.
Comment: KIF1B: PM2, BP4

Labcorp Genetics (formerly Invitae), Labcorp
Classification: Uncertain significance for Charcot-Marie-Tooth disease type 2. Last evaluated: 2022-05-21. Review status: criteria provided, single submitter. Criteria: Invitae Variant Classification Sherloc (09022015). Collection method: clinical testing. Allele origin: germline.
Comment: In summary, the available evidence is currently insufficient to determine the role of this variant in disease. Therefore, it has been classified as a Variant of Uncertain Significance. Algorithms developed to predict the effect of missense changes on protein structure and function output the following: SIFT: "Tolerated"; PolyPhen-2: "Benign"; Align-GVGD: "Class C0". The proline amino acid residue is found in multiple mammalian species, which suggests that this missense change does not adversely affect protein function. ClinVar contains an entry for this variant (Variation ID: 843403). This variant has not been reported in the literature in individuals affected with KIF1B-related conditions. This variant is not present in population databases (gnomAD no frequency). This sequence change replaces alanine, which is neutral and non-polar, with proline, which is neutral and non-polar, at codon 1626 of the KIF1B protein (p.Ala1626Pro).